The following is an entry in ClinVar:

ClinVar aggregate classification (germline): Pathogenic. Review status: criteria provided, multiple submitters, no conflicts (2 of 4 stars). 2 submissions from 2 submitters: Pathogenic (2). Last evaluated 2025-10-16.

Conditions:
Autosomal recessive polycystic kidney disease (ARPKD). Also called: AR polycystic kidney disease. Identifiers: Orphanet 731, Orphanet 8378, MedGen C0085548, MeSH D017044, MONDO:0009889.

Submissions (2):

Natera, Inc.
Classification: Pathogenic for Autosomal recessive polycystic kidney disease. Last evaluated: 2025-10-16. Review status: criteria provided, single submitter. Criteria: Natera Variant Classification Schema (03/2026). Collection method: clinical testing. Allele origin: germline.
Comment: The c.9183_9186delTAATinsATTAGTGACATCAG variant in PKHD1 is a frameshift variant predicted to shift the reading frame beginning at codon 3062 and leads to a stop codon 57 codons downstream. This variant is expected to result in nonsense mediated decay, truncation, or a dysfunctional protein product. This variant is rare in the general population with a frequency below the threshold expected for the associated phenotype(s). This variant has been observed in one or more individuals affected with the associated recessive disease, as either homozygous or compound heterozygous with a second variant (PMID: 32359821). Given the available evidence, this variant is classified as Pathogenic.

Women's Health and Genetics/Laboratory Corporation of America, LabCorp
Classification: Pathogenic for Autosomal recessive polycystic kidney disease. Last evaluated: 2021-11-12. Review status: criteria provided, single submitter. Criteria: LabCorp Variant Classification Summary - May 2015. Collection method: clinical testing. Allele origin: germline.
Comment: Variant summary: PKHD1 c.9183_9186delins14 (p.Asn3062LeufsX57) results in a premature termination codon, predicted to cause a truncation of the encoded protein or absence of the protein due to nonsense mediated decay, which are commonly known mechanisms for disease. Truncations downstream of this position have been classified as pathogenic by our laboratory. The variant was absent in 251098 control chromosomes. c.9183_9186delins14 has been reported in the literature in individuals affected with Polycystic Kidney And Hepatic Disease (example, Denamur_2010, Riedhammer_2020). These data indicate that the variant may be associated with disease. To our knowledge, no experimental evidence demonstrating an impact on protein function has been reported. No clinical diagnostic laboratories have submitted clinical-significance assessments for this variant to ClinVar after 2014 although a variant annotated differently translating to the similar protein effect has been submitted under an ID (807462). Based on the evidence outlined above, the variant was classified as pathogenic.

Literature cited by the submitters: PubMed 32359821 (cited by Natera, Inc. and Women's Health and Genetics/Laboratory Corporation of America, LabCorp); PubMed 19940839 (cited by Women's Health and Genetics/Laboratory Corporation of America, LabCorp).

NM_138694.4(PKHD1):c.9183_9186delinsATTAGTGACATCAG (p.Asn3062fs)

Gene: PKHD1 (PKHD1 ciliary IPT domain containing fibrocystin/polyductin; minus strand). Cytogenetic location: 6p12.3.
Variant type: Indel.
Coding change: c.9183_9186delinsATTAGTGACATCAG on transcript NM_138694.4 (MANE Select); coding-DNA positions 9183 to 9186, TAAT replaced by ATTAGTGACATCAG.
Protein change: p.Asn3062fs; shifts the reading frame from asparagine 3062.
Molecular consequence: frameshift variant.
Genome position (GRCh38, 1-based): chr6:51,748,430-51,748,433, ATTA replaced by CTGATGTCACTAAT on the plus strand (TAAT replaced by ATTAGTGACATCAG on the coding strand, the reverse complement: PKHD1 is on the minus strand). VCF-style: chr6-51748430-ATTA-CTGATGTCACTAAT. GRCh37 (hg19) VCF-style: chr6-51613228-ATTA-CTGATGTCACTAAT.
Other names: c.9183_9186delinsATTAGTGACATCAG, p.Asn3062fs (NM_170724.3); c.9183_9186delTAATinsATTAGTGACATCAG (NM_138694.3); short protein forms N3062fs.
Identifiers: ClinVar variation 1329062 (VCV001329062.2), dbSNP rs2150986043, ClinGen allele CA2573052705.
Genomic context (GRCh38, chr6:51,748,430, plus strand): 5'-TTTGATTCCCGCCACCCAAATGGTGGACCACGCTGGCTGTGTCATCAGAACCACAAGGTT[ATTA>CTGATGTCACTAAT]GTGACAGTATAGGCCTGACCCTCTAAATCTATGCCATGGCCAGCTGTGCCAAACACAATA-3'